The following is an entry in ClinVar:

NM_001458.5(FLNC):c.2390-9T>C

Gene: FLNC (filamin C; plus strand). Cytogenetic location: 7q32.1.
Variant type: single nucleotide variant.
Coding change: c.2390-9T>C on transcript NM_001458.5 (MANE Select); 9 bases into the intron before coding-DNA position 2390, T replaced by C.
Molecular consequence: intron variant.
Genome position (GRCh38, 1-based): chr7:128,842,785, T>C. VCF-style: chr7-128842785-T-C. GRCh37 (hg19) VCF-style: chr7-128482839-T-C.
Other names: p.?; c.2390-9T>C (NM_001127487.2).
Identifiers: ClinVar variation 472008 (VCV000472008.54), dbSNP rs368068407, ClinGen allele CA4474718.
Genomic context (GRCh38, chr7:128,842,785, plus strand): 5'-TGGGAGGGGGCGGGGGTGAGTCGAGTCGGGGGCTGAGCCCAACTCACAGCAGTGCCCGCT[T>C]CTCTGCAGGCGACGTGAGCATCGGCATCAAGTGCGCCCCAGGCGTGGTGGGCCCTGCAGA-3'

ClinVar aggregate classification (germline): Benign/Likely benign. Review status: criteria provided, multiple submitters, no conflicts (2 of 4 stars). 16 submissions from 16 submitters: Benign (7); Likely benign (4). 5 of the submissions do not count toward it. Last evaluated 2026-05-01.

Conditions:
Cardiomyopathy (CMYO). Also called: Cardiomyopathies. Identifiers: Orphanet 167848, MedGen C0878544, MONDO:0004994, HP:0001638. Inheritance: Various modes of inheritance.
Hypertrophic cardiomyopathy 26. Also called: Cardiomyopathy, familial hypertrophic, 26. Identifiers: Orphanet 75249, MedGen C4310749, MONDO:0014883, OMIM 617047.
Myofibrillar myopathy 5. Also called: Filaminopathy (type); FILAMINOPATHY, AUTOSOMAL DOMINANT. Identifiers: Orphanet 171445, MedGen C1836050, MONDO:0012289, OMIM 609524.
Distal myopathy with posterior leg and anterior hand involvement. Also called: WILLIAMS DISTAL MYOPATHY. Identifiers: Orphanet 63273, MedGen C3279722, MONDO:0013550, OMIM 614065.
FLNC-related disorder. Also called: FLNC-related condition; FLNC-related disorders.

Allele frequency attached by ClinVar (database versions not stated): 1000 Genomes Project 0.00040; 1000 Genomes Project 30x 0.00062; TOPMed 0.00157; gnomAD 0.00168 and 0.00173; ESP Exome Variant Server 0.00190; gnomAD exomes 0.00236 and 0.00268; ExAC 0.00274.
gnomAD v4.1: 4,162 of 1,613,210 alleles (0.26%); highest among the groups gnomAD compares: South Asian, 0.49%; 15 homozygotes.

Submissions (16):

CeGaT Center for Human Genetics Tuebingen
Classification: Benign. Last evaluated: 2026-05-01. Review status: criteria provided, single submitter. Criteria: CeGaT Center For Human Genetics Tuebingen Variant Classification Criteria Version 2. Collection method: clinical testing. Allele origin: germline. Affected: yes. Observed: 18 variant alleles.
Comment: FLNC: BS1, BS2

Labcorp Genetics (formerly Invitae), Labcorp
Classification: Benign for Distal myopathy with posterior leg and anterior hand involvement; Myofibrillar myopathy 5; Hypertrophic cardiomyopathy 26. Last evaluated: 2026-02-03. Review status: criteria provided, single submitter. Criteria: Invitae Variant Classification Sherloc (09022015). Collection method: clinical testing. Allele origin: germline.

Molecular Diagnostic Laboratory for Inherited Cardiovascular Disease, Montreal Heart Institute
Classification: Likely benign. Last evaluated: 2025-04-09. Review status: criteria provided, single submitter. Criteria: ACMG Guidelines, 2015. Collection method: clinical testing. Allele origin: germline. Affected: no.

Mayo Clinic Laboratories, Mayo Clinic
Classification: Likely benign. Last evaluated: 2025-01-03. Review status: criteria provided, single submitter. Criteria: ACMG Guidelines, 2015. Collection method: clinical testing. Allele origin: germline. Observed: 4 variant alleles.
Comment: BS1, BP4, BP7

Blueprint Genetics
Classification: Likely benign. Last evaluated: 2024-11-27. Review status: criteria provided, single submitter. Criteria: ACMG Guidelines, 2015. Collection method: clinical testing. Allele origin: germline.

ARUP Laboratories, Molecular Genetics and Genomics, ARUP Laboratories
Classification: Benign. Last evaluated: 2024-11-20. Review status: criteria provided, single submitter. Criteria: ARUP Molecular Germline Variant Investigation Process 2024. Collection method: clinical testing. Allele origin: germline.

Women's Health and Genetics/Laboratory Corporation of America, LabCorp
Classification: Benign. Last evaluated: 2023-08-19. Review status: criteria provided, single submitter. Criteria: LabCorp Variant Classification Summary - May 2015. Collection method: clinical testing. Allele origin: germline.

CHEO Genetics Diagnostic Laboratory, Children's Hospital of Eastern Ontario
Classification: Benign for Cardiomyopathy. Last evaluated: 2023-04-19. Review status: criteria provided, single submitter. Criteria: ACMG Guidelines, 2015. Collection method: clinical testing. Allele origin: germline.

Fulgent Genetics
Classification: Likely benign for Myofibrillar myopathy 5; Distal myopathy with posterior leg and anterior hand involvement; Hypertrophic cardiomyopathy 26. Last evaluated: 2022-04-05. Review status: criteria provided, single submitter. Criteria: ACMG Guidelines, 2015. Collection method: clinical testing. Allele origin: unknown.

GeneDx
Classification: Benign. Last evaluated: 2021-01-15. Review status: criteria provided, single submitter. Criteria: GeneDx Variant Classification Process June 2021. Collection method: clinical testing. Allele origin: germline. Affected: yes.

Athena Diagnostics
Classification: Benign. Last evaluated: 2019-04-01. Review status: criteria provided, single submitter. Criteria: Athena Diagnostics Criteria. Collection method: clinical testing. Allele origin: germline.

PreventionGenetics, part of Exact Sciences
Classification: Benign for FLNC-related condition. Last evaluated: 2021-01-11. Review status: no assertion criteria provided. Collection method: clinical testing. Allele origin: germline. Not counted in ClinVar's aggregate classification.
Comment: This variant is classified as benign based on ACMG/AMP sequence variant interpretation guidelines (Richards et al. 2015 PMID: 25741868, with internal and published modifications).

Clinical Genetics DNA and cytogenetics Diagnostics Lab, Erasmus MC, Erasmus Medical Center
Classification: Likely benign. Review status: no assertion criteria provided. Collection method: clinical testing. Allele origin: germline. Affected: yes. Study: VKGL Data-share Consensus. Not counted in ClinVar's aggregate classification.

Clinical Genetics, Academic Medical Center
Classification: Benign. Review status: no assertion criteria provided. Collection method: clinical testing. Allele origin: germline. Affected: yes. Study: VKGL Data-share Consensus. Not counted in ClinVar's aggregate classification.

Genome Diagnostics Laboratory, University Medical Center Utrecht
Classification: Benign. Review status: no assertion criteria provided. Collection method: clinical testing. Allele origin: germline. Affected: yes. Study: VKGL Data-share Consensus. Not counted in ClinVar's aggregate classification.

Joint Genome Diagnostic Labs from Nijmegen and Maastricht, Radboudumc and MUMC+
Classification: Likely benign. Review status: no assertion criteria provided. Collection method: clinical testing. Allele origin: germline. Affected: yes. Study: VKGL Data-share Consensus. Not counted in ClinVar's aggregate classification.